The following is an entry in ClinVar:

NC_000011.9:g.(?_65318577)_(65321871_?)del

Gene: LTBP3 (latent transforming growth factor beta binding protein 3; minus strand). Cytogenetic location: 11q13.1.
Variant type: Deletion.
Identifiers: ClinVar variation 3244614 (VCV003244614.1).

ClinVar aggregate classification (germline): Uncertain significance (1 of 4 stars; one submission).

Conditions:
Brachyolmia-amelogenesis imperfecta syndrome. Also called: Tooth agenesis, selective, 6; Dental anomalies and short stature; PLATYSPONDYLY WITH AMELOGENESIS IMPERFECTA. Identifiers: Orphanet 2899, MedGen C1832594, MONDO:0011018, OMIM 601216. Disease mechanism: loss of function.

Submission:

Labcorp Genetics (formerly Invitae), Labcorp
Classification: Uncertain significance for Brachyolmia-amelogenesis imperfecta syndrome. Last evaluated: 2023-01-17. Review status: criteria provided, single submitter. Criteria: Invitae Variant Classification Sherloc (09022015). Collection method: clinical testing. Allele origin: unknown.
Comment: This variant is a gross deletion of the genomic region encompassing exon(s) 2-11 of the LTBP3 gene. This variant would be expected to be in-frame, preserving the integrity of the reading frame. This variant has not been reported in the literature in individuals affected with LTBP3-related conditions. In summary, the available evidence is currently insufficient to determine the role of this variant in disease. Therefore, it has been classified as a Variant of Uncertain Significance. Experimental studies and prediction algorithms are not available or were not evaluated, and the functional significance of this variant is currently unknown.